The following is an entry in ClinVar:

ClinVar aggregate classification (germline): Likely benign (1 of 4 stars; one submission).

Allele frequency attached by ClinVar (database versions not stated): 1000 Genomes Project 0.02196; 1000 Genomes Project 30x 0.02342; gnomAD 0.02468 and 0.02538; TOPMed 0.02766.
gnomAD v4.1: 3,762 of 152,190 alleles (2.5%); highest among the groups gnomAD compares: Middle Eastern, 11%; 65 homozygotes.

Submission:

GeneDx
Classification: Likely benign. Last evaluated: 2018-06-19. Review status: criteria provided, single submitter. Criteria: GeneDx Variant Classification (06012015). Collection method: clinical testing. Allele origin: germline. Affected: yes.
Comment: This variant is considered likely benign or benign based on one or more of the following criteria: it is a conservative change, it occurs at a poorly conserved position in the protein, it is predicted to be benign by multiple in silico algorithms, and/or has population frequency not consistent with disease.

NM_020822.3(KCNT1):c.1036-160G>T

Gene: KCNT1 (potassium sodium-activated channel subfamily T member 1; plus strand). Cytogenetic location: 9q34.3.
Variant type: single nucleotide variant.
Coding change: c.1036-160G>T on transcript NM_020822.3 (MANE Select); 160 bases into the intron before coding-DNA position 1036, G replaced by T.
Molecular consequence: intron variant.
Genome position (GRCh38, 1-based): chr9:135,764,871, G>T. VCF-style: chr9-135764871-G-T. GRCh37 (hg19) VCF-style: chr9-138656717-G-T.
Other names: c.901-160G>T (NM_001272003.2).
Identifiers: ClinVar variation 674495 (VCV000674495.1), dbSNP rs112178019, ClinGen allele CA201464938.